The following is an entry in ClinVar:

ClinVar aggregate classification (germline): Pathogenic. Review status: criteria provided, multiple submitters, no conflicts (2 of 4 stars). 2 submissions from 2 submitters: Pathogenic (2). Last evaluated 2019-07-18.

Conditions:
CHARGE syndrome (CHARGE). Also called: Coloboma, heart anomaly, choanal atresia, retardation, genital and ear anomalies; CHARGE association; Hall-Hittner syndrome; CHARGE ASSOCIATION--COLOBOMA, HEART ANOMALY, CHOANAL ATRESIA, RETARDATION, GENITAL AND EAR ANOMALIES; Hittner Hirsch Kreh syndrome. Identifiers: Orphanet 138, MedGen C0265354, MONDO:0008965.

Submissions (2):

HudsonAlpha Institute for Biotechnology
Classification: Pathogenic for CHD7-related CHARGE syndrome. Last evaluated: 2019-07-18. Review status: criteria provided, single submitter. Criteria: ACMG Guidelines, 2015. Collection method: research. Allele origin: de novo. Affected: yes. Observed: 1 variant allele. Study: HudsonAlpha-AGHI-WGS.
Comment: ACMG codes:PVS1, PS2, PM2, PP5

Genetic Services Laboratory, University of Chicago
Classification: Pathogenic for CHARGE syndrome. Last evaluated: 2013-02-08. Review status: criteria provided, single submitter. Criteria: ACMG Guidelines, 2007. Collection method: clinical testing. Allele origin: germline. Affected: yes.

NM_017780.4(CHD7):c.2642dup (p.Tyr881Ter)

Gene: CHD7 (chromodomain helicase DNA binding protein 7; plus strand). Cytogenetic location: 8q12.2.
Variant type: Duplication.
Coding change: c.2642dup on transcript NM_017780.4 (MANE Select); coding-DNA position 2642, one base duplicated (A; older notation c.2642dupA).
Protein change: p.Tyr881Ter; replaces tyrosine 881 with a stop codon.
Molecular consequence: nonsense. On other transcripts: intron variant (1).
Genome position (GRCh38, 1-based): chr8:60,820,035, A duplicated. VCF-style (leftmost placement, unchanged base first): chr8-60820034-T-TA. GRCh37 (hg19) VCF-style: chr8-61732593-T-TA.
Other names: c.2642dup (LRG_176t1); c.1716+38985dup (NM_001316690.1); short protein forms Y881*.
Identifiers: ClinVar variation 210716 (VCV000210716.7), dbSNP rs797045465, ClinGen allele CA277014.